The following is an entry in ClinVar:

NM_014363.6(SACS):c.1256del (p.Ile419fs)

Gene: SACS (sacsin molecular chaperone; minus strand). Cytogenetic location: 13q12.12.
Variant type: Deletion.
Coding change: c.1256del on transcript NM_014363.6 (MANE Select); coding-DNA position 1256, one base deleted (T; older notation c.1256delT).
Protein change: p.Ile419fs; shifts the reading frame from isoleucine 419.
Molecular consequence: frameshift variant.
Genome position (GRCh38, 1-based): chr13:23,355,356, A deleted on the plus strand (T on the coding strand, the reverse complement: SACS is on the minus strand). VCF-style (leftmost placement, unchanged base first): chr13-23355355-GA-G. GRCh37 (hg19) VCF-style: chr13-23929494-GA-G.
Other names: c.815del, p.Ile272fs (NM_001278055.2); short protein forms I272fs, I419fs.
Identifiers: ClinVar variation 2034868 (VCV002034868.4), dbSNP rs2542398175, ClinGen allele CA2580086861.

ClinVar aggregate classification (germline): Pathogenic (1 of 4 stars; one submission).

Conditions:
Spastic paraplegia. Identifiers: MedGen C0037772, HP:0001258.

Submission:

Labcorp Genetics (formerly Invitae), Labcorp
Classification: Pathogenic for Spastic paraplegia. Last evaluated: 2022-10-08. Review status: criteria provided, single submitter. Criteria: Invitae Variant Classification Sherloc (09022015). Collection method: clinical testing. Allele origin: germline.
Comment: This variant has not been reported in the literature in individuals affected with SACS-related conditions. For these reasons, this variant has been classified as Pathogenic. This variant is not present in population databases (gnomAD no frequency). This sequence change creates a premature translational stop signal (p.Ile419Thrfs*4) in the SACS gene. It is expected to result in an absent or disrupted protein product. Loss-of-function variants in SACS are known to be pathogenic (PMID: 18465152, 20876471).

Literature cited by the submitters: PubMed 18465152; PubMed 20876471.